The following is an entry in ClinVar:

ClinVar aggregate classification (germline): Uncertain significance (1 of 4 stars; one submission).

Conditions:
Primary dilated cardiomyopathy (DCM). Also called: Dilated Cardiomyopathy. Identifiers: Orphanet 217604, MedGen C0007193, MeSH D002311, MONDO:0005021, HP:0001644. Inheritance: Various modes of inheritance.

Submission:

Labcorp Genetics (formerly Invitae), Labcorp
Classification: Uncertain significance for Primary dilated cardiomyopathy. Last evaluated: 2025-05-23. Review status: criteria provided, single submitter. Criteria: Invitae Variant Classification Sherloc (09022015). Collection method: clinical testing. Allele origin: germline.
Comment: This sequence change replaces methionine, which is neutral and non-polar, with threonine, which is neutral and polar, at codon 351 of the NEBL protein (p.Met351Thr). This variant is present in population databases (no rsID available, gnomAD 0.0009%). This variant has not been reported in the literature in individuals affected with NEBL-related conditions. An algorithm developed to predict the effect of missense changes on protein structure and function (PolyPhen-2) suggests that this variant is likely to be tolerated. In summary, the available evidence is currently insufficient to determine the role of this variant in disease. Therefore, it has been classified as a Variant of Uncertain Significance.

NM_006393.3(NEBL):c.1052T>C (p.Met351Thr)

Gene: NEBL (nebulette; minus strand). Cytogenetic location: 10p12.31.
Variant type: single nucleotide variant.
Coding change: c.1052T>C on transcript NM_006393.3 (MANE Select); coding-DNA position 1052, T replaced by C.
Protein change: p.Met351Thr; replaces methionine 351 with threonine.
Molecular consequence: missense variant. On other transcripts: intron variant (9).
Genome position (GRCh38, 1-based): chr10:20,850,459, A>G on the plus strand (T>C on the coding strand, the complement: NEBL is on the minus strand). VCF-style: chr10-20850459-A-G. GRCh37 (hg19) VCF-style: chr10-21139388-A-G.
Other names: c.250-37519T>C (NM_001377326.1, NM_001377327.1, NM_001377328.1); c.358-37519T>C (NM_213569.2, NM_001173484.2, NM_001377322.1); c.301-37519T>C (NM_001377324.1); c.292-37519T>C (NM_001377325.1); c.310-37519T>C (NM_001377323.1); short protein forms M351T.
Identifiers: ClinVar variation 4698148 (VCV004698148.1).